The following is an entry in ClinVar:

ClinVar aggregate classification (germline): Likely pathogenic (1 of 4 stars; one submission).

Conditions:
Hereditary breast ovarian cancer syndrome. Also called: Hereditary breast and ovarian cancer; Hereditary breast and ovarian cancer syndrome (HBOC); Hereditary breast and ovarian cancer syndrome; BRCA1- and BRCA2-Associated Hereditary Breast and Ovarian Cancer; Hereditary breast and/or ovarian cancer syndrome; Breast and ovarian cancer. Identifiers: Orphanet 145, MedGen C0677776, MeSH D061325, MONDO:0003582. Disease mechanism: loss of function.

Submission:

Women's Health and Genetics/Laboratory Corporation of America, LabCorp
Classification: Likely pathogenic for Hereditary breast ovarian cancer syndrome. Last evaluated: 2021-03-03. Review status: criteria provided, single submitter. Criteria: LabCorp Variant Classification Summary - May 2015. Collection method: clinical testing. Allele origin: germline.
Comment: Variant summary: BRCA2 c.4057delG (p.Glu1353LysfsX21) results in a premature termination codon, predicted to cause a truncation of the encoded protein or absence of the protein due to nonsense mediated decay, which are commonly known mechanisms for disease. The variant was absent in 241134 control chromosomes (gnomAD). To our knowledge, no occurrence of c.4057delG in individuals affected with Hereditary Breast And Ovarian Cancer Syndrome and no experimental evidence demonstrating its impact on protein function have been reported. No clinical diagnostic laboratories have submitted clinical-significance assessments for this variant to ClinVar after 2014. Based on the evidence outlined above, the variant was classified as likely pathogenic.

NM_000059.4(BRCA2):c.4057del (p.Glu1353fs)

Gene: BRCA2 (BRCA2 DNA repair associated; plus strand). Cytogenetic location: 13q13.1.
Variant type: Deletion.
Coding change: c.4057del on transcript NM_000059.4 (MANE Select); coding-DNA position 4057, one base deleted (G; older notation c.4057delG).
Protein change: p.Glu1353fs; shifts the reading frame from glutamic acid 1353.
Molecular consequence: frameshift variant.
Genome position (GRCh38, 1-based): chr13:32,338,412, G deleted. VCF-style (leftmost placement, unchanged base first): chr13-32338411-TG-T. GRCh37 (hg19) VCF-style: chr13-32912548-TG-T.
Other names: short protein forms E1353fs.
Identifiers: ClinVar variation 1027606 (VCV001027606.1), dbSNP rs2072494571, ClinGen allele CA2082823403.